The following is an entry in ClinVar:

NM_017617.5(NOTCH1):c.2116G>C (p.Glu706Gln)

Gene: NOTCH1 (notch receptor 1; minus strand). Cytogenetic location: 9q34.3.
Variant type: single nucleotide variant.
Coding change: c.2116G>C on transcript NM_017617.5 (MANE Select); coding-DNA position 2116, G replaced by C.
Protein change: p.Glu706Gln; replaces glutamic acid 706 with glutamine.
Molecular consequence: missense variant.
Genome position (GRCh38, 1-based): chr9:136,514,601, C>G on the plus strand (G>C on the coding strand, the complement: NOTCH1 is on the minus strand). VCF-style: chr9-136514601-C-G. GRCh37 (hg19) VCF-style: chr9-139409053-C-G.
Other names: short protein forms E706Q.
Identifiers: ClinVar variation 3342689 (VCV003342689.2).

ClinVar aggregate classification (germline): Uncertain significance. Review status: criteria provided, multiple submitters, no conflicts (2 of 4 stars). 2 submissions from 2 submitters: Uncertain significance (2). Last evaluated 2024-04-22.

gnomAD v4.1: 2 of 1,609,514 alleles (0.00012%); no homozygotes.

Submissions (2):

ARUP Laboratories, Molecular Genetics and Genomics, ARUP Laboratories
Classification: Uncertain significance. Last evaluated: 2024-04-22. Review status: criteria provided, single submitter. Criteria: ARUP Molecular Germline Variant Investigation Process 2024. Collection method: clinical testing. Allele origin: germline.
Comment: The NOTCH1 c.2116G>C; p.Glu706Gln variant (rs368494947), to our knowledge, is not reported in the medical literature or gene specific databases. This variant is also absent from the Genome Aggregation Database (v2.1.1), indicating it is not a common polymorphism. Computational analyses are uncertain whether this variant is neutral or deleterious (REVEL: 0.322). However, computational splicing analyses (Alamut v.2.11) predict that this variant may impact splicing by creating a novel cryptic acceptor splice site, although RNA analyses would be required to confirm this. Given the lack of clinical and functional data, the significance of this variant is uncertain at this time.

GeneDx
Classification: Uncertain significance. Last evaluated: 2024-03-28. Review status: criteria provided, single submitter. Criteria: GeneDx Variant Classification Process June 2021. Collection method: clinical testing. Allele origin: germline. Affected: yes.
Comment: Not observed at significant frequency in large population cohorts (gnomAD); In silico analysis suggests this variant may impact gene splicing. In the absence of RNA/functional studies, the actual effect of this sequence change is unknown.; In silico analysis supports that this missense variant does not alter protein structure/function; Has not been previously published as pathogenic or benign to our knowledge